The following is an entry in ClinVar:

ClinVar aggregate classification (germline): Uncertain significance (1 of 4 stars; one submission).

Conditions:
Hereditary cancer-predisposing syndrome. Also called: Hereditary Cancer Syndrome; Hereditary neoplastic syndrome; Neoplastic Syndromes, Hereditary; Tumor predisposition. Identifiers: Orphanet 140162, MedGen C0027672, MeSH D009386, MONDO:0015356.

Submission:

Ambry Genetics
Classification: Uncertain significance for Hereditary cancer-predisposing syndrome. Last evaluated: 2021-07-01. Review status: criteria provided, single submitter. Criteria: Ambry Variant Classification Scheme 2023. Collection method: clinical testing. Allele origin: germline.
Comment: The p.L200I variant (also known as c.598C>A), located in coding exon 4 of the MSH3 gene, results from a C to A substitution at nucleotide position 598. The leucine at codon 200 is replaced by isoleucine, an amino acid with highly similar properties. This amino acid position is not well conserved in available vertebrate species. In addition, this alteration is predicted to be tolerated by in silico analysis. Since supporting evidence is limited at this time, the clinical significance of this alteration remains unclear.

NM_002439.5(MSH3):c.598C>A (p.Leu200Ile)

Gene: MSH3 (mutS homolog 3; plus strand). Cytogenetic location: 5q14.1.
Variant type: single nucleotide variant.
Coding change: c.598C>A on transcript NM_002439.5 (MANE Select); coding-DNA position 598, C replaced by A.
Protein change: p.Leu200Ile; replaces leucine 200 with isoleucine.
Molecular consequence: missense variant.
Genome position (GRCh38, 1-based): chr5:80,670,115, C>A. VCF-style: chr5-80670115-C-A. GRCh37 (hg19) VCF-style: chr5-79965934-C-A.
Other names: short protein forms L200I.
Identifiers: ClinVar variation 1750880 (VCV001750880.2), dbSNP rs1580550120, ClinGen allele CA360265910.